The following is an entry in ClinVar:

ClinVar aggregate classification (germline): Uncertain significance. Review status: criteria provided, multiple submitters, no conflicts (2 of 4 stars). 2 submissions from 2 submitters: Uncertain significance (2). Last evaluated 2025-09-10.

Allele frequency attached by ClinVar (database versions not stated): gnomAD 0.00001; TOPMed 0.00001; gnomAD exomes 0.00003; ExAC 0.00006.
gnomAD v4.1: 44 of 1,594,982 alleles (0.0028%); highest among the groups gnomAD compares: East Asian, 0.02%; no homozygotes.

Submissions (2):

Ambry Genetics
Classification: Uncertain significance. Last evaluated: 2025-09-10. Review status: criteria provided, single submitter. Criteria: Ambry Variant Classification Scheme 2023. Collection method: clinical testing. Allele origin: germline.

Labcorp Genetics (formerly Invitae), Labcorp
Classification: Uncertain significance. Last evaluated: 2022-03-31. Review status: criteria provided, single submitter. Criteria: Invitae Variant Classification Sherloc (09022015). Collection method: clinical testing. Allele origin: germline.
Comment: Algorithms developed to predict the effect of missense changes on protein structure and function are either unavailable or do not agree on the potential impact of this missense change (SIFT: "Deleterious"; PolyPhen-2: "Possibly Damaging"; Align-GVGD: "Class C0"). In summary, the available evidence is currently insufficient to determine the role of this variant in disease. Therefore, it has been classified as a Variant of Uncertain Significance. This variant has not been reported in the literature in individuals affected with FSCN2-related conditions. This variant is present in population databases (rs781831783, gnomAD 0.02%). This sequence change replaces threonine, which is neutral and polar, with methionine, which is neutral and non-polar, at codon 244 of the FSCN2 protein (p.Thr244Met).

NM_012418.4(FSCN2):c.731C>T (p.Thr244Met)

Gene: FSCN2 (fascin actin-bundling protein 2, retinal; plus strand). Cytogenetic location: 17q25.3.
Variant type: single nucleotide variant.
Coding change: c.731C>T on transcript NM_012418.4 (MANE Select); coding-DNA position 731, C replaced by T.
Protein change: p.Thr244Met; replaces threonine 244 with methionine.
Molecular consequence: missense variant.
Genome position (GRCh38, 1-based): chr17:81,529,262, C>T. VCF-style: chr17-81529262-C-T. GRCh37 (hg19) VCF-style: chr17-79496288-C-T.
Other names: c.731C>T, p.Thr244Met (NM_001077182.3); c.731C>T (NM_001077182.2); short protein forms T244M.
Identifiers: ClinVar variation 1923076 (VCV001923076.8), dbSNP rs781831783, ClinGen allele CA8836765.